The following is an entry in ClinVar:

NM_000435.3(NOTCH3):c.1195G>A (p.Ala399Thr)

Gene: NOTCH3 (notch receptor 3; minus strand). Cytogenetic location: 19p13.12.
Variant type: single nucleotide variant.
Coding change: c.1195G>A on transcript NM_000435.3 (MANE Select); coding-DNA position 1195, G replaced by A.
Protein change: p.Ala399Thr; replaces alanine 399 with threonine.
Molecular consequence: missense variant.
Genome position (GRCh38, 1-based): chr19:15,189,172, C>T on the plus strand (G>A on the coding strand, the complement: NOTCH3 is on the minus strand). VCF-style: chr19-15189172-C-T. GRCh37 (hg19) VCF-style: chr19-15299983-C-T.
Other names: short protein forms A399T.
Identifiers: ClinVar variation 1375329 (VCV001375329.6), dbSNP rs1390414547, ClinGen allele CA404528499.

ClinVar aggregate classification (germline): Uncertain significance (1 of 4 stars; one submission).

Allele frequency attached by ClinVar (database versions not stated): gnomAD exomes below 0.00001; TOPMed 0.00001.

Submission:

Labcorp Genetics (formerly Invitae), Labcorp
Classification: Uncertain significance. Last evaluated: 2022-07-18. Review status: criteria provided, single submitter. Criteria: Invitae Variant Classification Sherloc (09022015). Collection method: clinical testing. Allele origin: germline.
Comment: In summary, the available evidence is currently insufficient to determine the role of this variant in disease. Therefore, it has been classified as a Variant of Uncertain Significance. Algorithms developed to predict the effect of missense changes on protein structure and function (SIFT, PolyPhen-2, Align-GVGD) all suggest that this variant is likely to be disruptive. ClinVar contains an entry for this variant (Variation ID: 1375329). This variant has not been reported in the literature in individuals affected with NOTCH3-related conditions. This variant is not present in population databases (gnomAD no frequency). This sequence change replaces alanine, which is neutral and non-polar, with threonine, which is neutral and polar, at codon 399 of the NOTCH3 protein (p.Ala399Thr).